The following is an entry in ClinVar:

NM_015164.4(PLEKHM2):c.2572G>A (p.Glu858Lys)

Gene: PLEKHM2 (pleckstrin homology and RUN domain containing M2; plus strand). Cytogenetic location: 1p36.21.
Variant type: single nucleotide variant.
Coding change: c.2572G>A on transcript NM_015164.4 (MANE Select); coding-DNA position 2572, G replaced by A.
Protein change: p.Glu858Lys; replaces glutamic acid 858 with lysine.
Molecular consequence: missense variant.
Genome position (GRCh38, 1-based): chr1:15,731,995, G>A. VCF-style: chr1-15731995-G-A. GRCh37 (hg19) VCF-style: chr1-16058490-G-A.
Other names: short protein forms E858K.
Identifiers: ClinVar variation 1433942 (VCV001433942.8), dbSNP rs555840819, ClinGen allele CA617299.
Genomic context (GRCh38, chr1:15,731,995, plus strand): 5'-CCCCACGCCTTCCAGGTCATTCTCTCCGACCGGCCCTGCCTGGAGCTAAGTGCCGAGAGC[G>A]AGGCCGAGATGGCCGAGTGGATGCAGCATCTCTGCCAGGCTGTGTCCAAAGGGGTGAGCT-3'
Protein context (NP_055979.2, residues 848-868): RPCLELSAES[Glu858Lys]AEMAEWMQHL

ClinVar aggregate classification (germline): Uncertain significance (1 of 4 stars; one submission).

Allele frequency attached by ClinVar (database versions not stated): gnomAD 0.00001 and 0.00003; gnomAD exomes 0.00001 and 0.00002; ExAC 0.00002; TOPMed 0.00002; 1000 Genomes Project 30x 0.00016; 1000 Genomes Project 0.00020.

Submission:

Labcorp Genetics (formerly Invitae), Labcorp
Classification: Uncertain significance. Last evaluated: 2021-07-06. Review status: criteria provided, single submitter. Criteria: Invitae Variant Classification Sherloc (09022015). Collection method: clinical testing. Allele origin: germline.
Comment: This sequence change replaces glutamic acid with lysine at codon 858 of the PLEKHM2 protein (p.Glu858Lys). The glutamic acid residue is highly conserved and there is a small physicochemical difference between glutamic acid and lysine. This variant is present in population databases (rs555840819, ExAC 0.009%). This variant has not been reported in the literature in individuals affected with PLEKHM2-related conditions. Algorithms developed to predict the effect of missense changes on protein structure and function are either unavailable or do not agree on the potential impact of this missense change (SIFT: "Deleterious"; PolyPhen-2: "Probably Damaging"; Align-GVGD: "Class C0"). In summary, the available evidence is currently insufficient to determine the role of this variant in disease. Therefore, it has been classified as a Variant of Uncertain Significance.